The following is an entry in ClinVar:

ClinVar aggregate classification (germline): Uncertain significance (1 of 4 stars; one submission).

gnomAD v4.1: 4 of 1,613,968 alleles (0.00025%); highest among the groups gnomAD compares: Admixed American, 0.0067%; no homozygotes.

Submission:

Labcorp Genetics (formerly Invitae), Labcorp
Classification: Uncertain significance. Last evaluated: 2025-11-01. Review status: criteria provided, single submitter. Criteria: Invitae Variant Classification Sherloc (09022015). Collection method: clinical testing. Allele origin: germline.
Comment: This sequence change replaces arginine, which is basic and polar, with glycine, which is neutral and non-polar, at codon 462 of the C3 protein (p.Arg462Gly). This variant is present in population databases (no rsID available, gnomAD 0.003%). This variant has not been reported in the literature in individuals affected with C3-related conditions. Invitae Evidence Modeling of protein sequence and biophysical properties (such as structural, functional, and spatial information, amino acid conservation, physicochemical variation, residue mobility, and thermodynamic stability) indicates that this missense variant is not expected to disrupt C3 protein function with a negative predictive value of 80%. Algorithms developed to predict the effect of sequence changes on RNA splicing suggest that this variant may create or strengthen a splice site. In summary, the available evidence is currently insufficient to determine the role of this variant in disease. Therefore, it has been classified as a Variant of Uncertain Significance.

NM_000064.4(C3):c.1384C>G (p.Arg462Gly)

Gene: C3 (complement C3; minus strand). Cytogenetic location: 19p13.3.
Variant type: single nucleotide variant.
Coding change: c.1384C>G on transcript NM_000064.4 (MANE Select); coding-DNA position 1384, C replaced by G.
Protein change: p.Arg462Gly; replaces arginine 462 with glycine.
Molecular consequence: missense variant.
Genome position (GRCh38, 1-based): chr19:6,711,082, G>C on the plus strand (C>G on the coding strand, the complement: C3 is on the minus strand). VCF-style: chr19-6711082-G-C. GRCh37 (hg19) VCF-style: chr19-6711093-G-C.
Other names: short protein forms R462G.
Identifiers: ClinVar variation 4740361 (VCV004740361.1).
Genomic context (GRCh38, chr19:6,711,082, plus strand): 5'-CGCGGTCCATTCGCAGGAGGAAGTTGACGTTGAGGGTCTCCCCGGGTCTGAGCTCTGTAC[G>C]TAGCACTGAGAGATGCAGGTAATTGTTGGAGTTGCCCACGGTGCTGTAGGGCAGAGCCTG-3'
Protein context (NP_000055.2, residues 452-472): SNNYLHLSVL[Arg462Gly]TELRPGETLN